The following is an entry in ClinVar:

NM_007294.4(BRCA1):c.4986+10T>G

Gene: BRCA1 (BRCA1 DNA repair associated; minus strand). Cytogenetic location: 17q21.31.
Variant type: single nucleotide variant.
Coding change: c.4986+10T>G on transcript NM_007294.4 (MANE Select); 10 bases into the intron after coding-DNA position 4986, T replaced by G.
Molecular consequence: intron variant.
Genome position (GRCh38, 1-based): chr17:43,070,918, A>C on the plus strand (T>G on the coding strand, the complement: BRCA1 is on the minus strand). VCF-style: chr17-43070918-A-C. GRCh37 (hg19) VCF-style: chr17-41222935-A-C.
Other names: c.1533+10T>G (NM_001408458.1, NM_001408461.1, NM_001408464.1 and 7 more transcripts); c.4095+10T>G (NM_001407967.1); c.4605+10T>G (NM_001407959.1); c.4719+10T>G (NM_001407931.1, NM_001407932.1, NM_001407928.1 and 4 more transcripts); c.4842+10T>G (NM_001407747.1, NM_001407745.1, NM_001407737.1 and 21 more transcripts); c.4602+10T>G (NM_001407962.1, NM_001407960.1); c.1173+10T>G (NM_001408512.1); c.1296+10T>G (NM_001408510.1); and 71 more.
Identifiers: ClinVar variation 868087 (VCV000868087.3), dbSNP rs2052351450, ClinGen allele CA916080183.
Genomic context (GRCh38, chr17:43,070,918, plus strand): 5'-CCTACATAAAACTCTTTCCAGAATGTTGTTAAGTCTTAGTCATTAGGGAGATACATATGG[A>C]TACACTCACAAATTCTTCTGGGGTCAGGCCAGACACCACCATGGACATTCTTTTGTTGAC-3'

Conditions:
Breast-ovarian cancer, familial, susceptibility to, 1 (BROVCA1). Also called: BRCA1 Hereditary Breast and Ovarian Cancer; OVARIAN CANCER, SUSCEPTIBILITY TO. Identifiers: Orphanet 145, MedGen C2676676, MONDO:0011450, OMIM 604370. Disease mechanism: loss of function.

Submission:

Brotman Baty Institute, University of Washington
No classification provided (evidence only). Condition: Breast-ovarian cancer, familial 1. Review status: no classification provided. Collection method: in vitro. Allele origin: not applicable. Functional consequence: functionally_normal.
ClinVar note: "not provided" was previously submitted as the classification for the variant. However, the classification appeared to be based only on an observation of functional data so it was converted to no classification on 2025-07-30.